The following is an entry in ClinVar:

NM_003560.4(PLA2G6):c.231G>A (p.Glu77=)

Gene: PLA2G6 (phospholipase A2 group VI; minus strand). Cytogenetic location: 22q13.1.
Variant type: single nucleotide variant.
Coding change: c.231G>A on transcript NM_003560.4 (MANE Select); coding-DNA position 231, G replaced by A.
Protein change: p.Glu77=; no amino-acid change (glutamic acid 77 retained).
Molecular consequence: synonymous variant. On other transcripts: 5 prime UTR variant (3).
Genome position (GRCh38, 1-based): chr22:38,145,632, C>T on the plus strand (G>A on the coding strand, the complement: PLA2G6 is on the minus strand). VCF-style: chr22-38145632-C-T. GRCh37 (hg19) VCF-style: chr22-38541639-C-T.
Other names: c.231G>A, p.Glu77= (NM_001004426.3, NM_001199562.3, NM_001349864.2 and 2 more transcripts); c.-304G>A (NM_001349867.2, NM_001349869.2); c.-260G>A (NM_001349868.2); c.231G>A (NM_003560.2).
Identifiers: ClinVar variation 2739055 (VCV002739055.5), dbSNP rs2089202410, ClinGen allele CA514554426.

ClinVar aggregate classification (germline): Likely benign. Review status: criteria provided, single submitter (1 of 4 stars). 2 submissions from 2 submitters: Likely benign (1). 1 of the submissions does not count toward it. Last evaluated 2023-11-06.

Conditions:
PLA2G6-related disorder. Also called: PLA2G6-related condition.
Infantile neuroaxonal dystrophy (NBIA2A). Also called: NEURODEGENERATION WITH BRAIN IRON ACCUMULATION 2A; SEITELBERGER DISEASE; Infantile neuroaxonal dystrophy 1. Identifiers: Orphanet 35069, MedGen C0270724, MONDO:0024457, OMIM 256600.

Allele frequency attached by ClinVar (database versions not stated): gnomAD exomes 0.00001; TOPMed 0.00001.
gnomAD v4.1: 7 of 1,612,858 alleles (0.00043%); highest among the groups gnomAD compares: Non-Finnish European, 0.00059%; no homozygotes.

Submissions (2):

Labcorp Genetics (formerly Invitae), Labcorp
Classification: Likely benign for Infantile neuroaxonal dystrophy. Last evaluated: 2023-11-06. Review status: criteria provided, single submitter. Criteria: Invitae Variant Classification Sherloc (09022015). Collection method: clinical testing. Allele origin: germline.

PreventionGenetics, part of Exact Sciences
Classification: Likely benign for PLA2G6-related condition. Last evaluated: 2021-10-19. Review status: no assertion criteria provided. Collection method: clinical testing. Allele origin: germline. Not counted in ClinVar's aggregate classification.
Comment: This variant is classified as likely benign based on ACMG/AMP sequence variant interpretation guidelines (Richards et al. 2015 PMID: 25741868, with internal and published modifications).